The following is an entry in ClinVar:

ClinVar aggregate classification (germline): Likely benign (1 of 4 stars; one submission).

Allele frequency attached by ClinVar (database versions not stated): ExAC 0.00006; gnomAD 0.00006; TOPMed 0.00006.
gnomAD v4.1: 100 of 1,613,514 alleles (0.0062%); highest among the groups gnomAD compares: Middle Eastern, 0.016%; no homozygotes.

Submission:

CeGaT Center for Human Genetics Tuebingen
Classification: Likely benign. Last evaluated: 2022-04-01. Review status: criteria provided, single submitter. Criteria: CeGaT Center For Human Genetics Tuebingen Variant Classification Criteria Version 2. Collection method: clinical testing. Allele origin: germline. Affected: yes. Observed: 1 variant allele.
Comment: STAT6: BP4, BP7

NM_003153.5(STAT6):c.1302G>A (p.Glu434=)

Gene: STAT6 (signal transducer and activator of transcription 6; minus strand). Cytogenetic location: 12q13.3.
Variant type: single nucleotide variant.
Coding change: c.1302G>A on transcript NM_003153.5 (MANE Select); coding-DNA position 1302, G replaced by A.
Protein change: p.Glu434=; no amino-acid change (glutamic acid 434 retained).
Molecular consequence: synonymous variant. On other transcripts: non-coding transcript variant (1).
Genome position (GRCh38, 1-based): chr12:57,102,832, C>T on the plus strand (G>A on the coding strand, the complement: STAT6 is on the minus strand). VCF-style: chr12-57102832-C-T. GRCh37 (hg19) VCF-style: chr12-57496615-C-T.
Other names: c.1302G>A, p.Glu434= (NM_001178078.2, NM_001178079.2); c.972G>A, p.Glu324= (NM_001178080.2, NM_001178081.2).
Identifiers: ClinVar variation 2643110 (VCV002643110.24), dbSNP rs11172101, ClinGen allele CA6641725.
Genomic context (GRCh38, chr12:57,102,832, plus strand): 5'-TGCCCATGTTAGAACCCACCCTGCCCCTGTTCCCTCCAACTCCAGGACTTTCCTCACCAT[C>T]TCAGAGAAGGCATTGTCCCACAGGATAGTGGCTTTGGCATTGTTGTCTTGGTTGCCATGG-3'
Protein context (NP_003144.3, residues 424-444): ATILWDNAFS[Glu434=]MDRVPFVVAE